The following is an entry in ClinVar:

NM_000051.4(ATM):c.5712del (p.Lys1904fs)

Gene: ATM (ATM serine/threonine kinase; plus strand). Cytogenetic location: 11q22.3.
Variant type: Deletion.
Coding change: c.5712del on transcript NM_000051.4 (MANE Select); coding-DNA position 5712, one base deleted (A; older notation c.5712delA).
Protein change: p.Lys1904fs; shifts the reading frame from lysine 1904.
Molecular consequence: frameshift variant.
Genome position (GRCh38, 1-based): chr11:108,307,934, A deleted; the last of 6 consecutive A bases (chr11:108,307,929-108,307,934); deleting any one gives the same sequence. VCF-style (leftmost placement, unchanged base first): chr11-108307928-TA-T. GRCh37 (hg19) VCF-style: chr11-108178655-TA-T.
Other names: c.5712delA (NM_000051.3); c.5712del, p.Lys1904fs (NM_001351834.2); short protein forms K1904fs.
Identifiers: ClinVar variation 487445 (VCV000487445.4), dbSNP rs587781730, ClinGen allele CA658656267.

ClinVar aggregate classification (germline): Pathogenic. Review status: criteria provided, multiple submitters, no conflicts (2 of 4 stars). 3 submissions from 3 submitters: Pathogenic (2). 1 of the submissions does not count toward it. Last evaluated 2024-01-25.

Conditions:
Hereditary cancer-predisposing syndrome. Also called: Tumor predisposition; Neoplastic Syndromes, Hereditary; Hereditary Cancer Syndrome; Hereditary neoplastic syndrome. Identifiers: Orphanet 140162, MedGen C0027672, MeSH D009386, MONDO:0015356.
Familial cancer of breast. Also called: BREAST CANCER, FAMILIAL; hereditary breast carcinoma; Hereditary breast cancer. Identifiers: Orphanet 227535, MedGen C0346153, MONDO:0016419, OMIM 114480. Disease mechanism: loss of function.
Ataxia-telangiectasia syndrome (AT). Also called: Ataxia-telangiectasia; Ataxia-telangiectasia, complementation group D; AT, COMPLEMENTATION GROUP C; LOUIS-BAR SYNDROME; Cerebello-oculocutaneous telangiectasia; Immunodeficiency with ataxia telangiectasia. Identifiers: Orphanet 100, MedGen C0004135, MONDO:0008840, OMIM 208900.

Submissions (3):

Myriad Genetics, Inc.
Classification: Pathogenic for Familial cancer of breast. Last evaluated: 2024-01-25. Review status: criteria provided, single submitter. Criteria: Myriad Autosomal Dominant, Autosomal Recessive and X-Linked Classification Criteria (2023). Collection method: clinical testing. Allele origin: unknown.
Comment: This variant is considered pathogenic. This variant creates a frameshift predicted to result in premature protein truncation.

Ambry Genetics
Classification: Pathogenic for Hereditary cancer-predisposing syndrome. Last evaluated: 2019-01-08. Review status: criteria provided, single submitter. Criteria: Ambry Variant Classification Scheme 2023. Collection method: clinical testing. Allele origin: germline.
Comment: The c.5712delA pathogenic mutation, located in coding exon 37 of the ATM gene, results from a deletion of one nucleotide at nucleotide position 5712, causing a translational frameshift with a predicted alternate stop codon. This alteration is expected to result in loss of function by premature protein truncation or nonsense-mediated mRNA decay. As such, this alteration is interpreted as a disease-causing mutation.

Counsyl
Classification: Likely pathogenic for Ataxia-telangiectasia syndrome. Last evaluated: 2017-03-07. Review status: no assertion criteria provided. Collection method: clinical testing. Allele origin: unknown. Not counted in ClinVar's aggregate classification.